The following is an entry in ClinVar:

ClinVar aggregate classification (germline): Uncertain significance. Review status: criteria provided, multiple submitters, no conflicts (2 of 4 stars). 2 submissions from 2 submitters: Uncertain significance (2). Last evaluated 2025-08-09.

Allele frequency attached by ClinVar (database versions not stated): ExAC 0.00001; gnomAD exomes 0.00001; gnomAD 0.00002; TOPMed 0.00003.
gnomAD v4.1: 19 of 1,582,822 alleles (0.0012%); highest among the groups gnomAD compares: Admixed American, 0.021%; no homozygotes.

Submissions (2):

Labcorp Genetics (formerly Invitae), Labcorp
Classification: Uncertain significance. Last evaluated: 2025-08-09. Review status: criteria provided, single submitter. Criteria: Invitae Variant Classification Sherloc (09022015). Collection method: clinical testing. Allele origin: germline.
Comment: This sequence change replaces glycine, which is neutral and non-polar, with valine, which is neutral and non-polar, at codon 873 of the ARHGEF1 protein (p.Gly873Val). This variant is present in population databases (rs782815869, gnomAD 0.04%). This variant has not been reported in the literature in individuals affected with ARHGEF1-related conditions. ClinVar contains an entry for this variant (Variation ID: 2388082). An algorithm developed to predict the effect of missense changes on protein structure and function (PolyPhen-2) suggests that this variant is likely to be disruptive. In summary, the available evidence is currently insufficient to determine the role of this variant in disease. Therefore, it has been classified as a Variant of Uncertain Significance.

Ambry Genetics
Classification: Uncertain significance. Last evaluated: 2024-10-11. Review status: criteria provided, single submitter. Criteria: Ambry Variant Classification Scheme 2023. Collection method: clinical testing. Allele origin: germline.

NM_004706.4(ARHGEF1):c.2573G>T (p.Gly858Val)

Gene: ARHGEF1 (Rho guanine nucleotide exchange factor 1; plus strand). Cytogenetic location: 19q13.2.
Variant type: single nucleotide variant.
Coding change: c.2573G>T on transcript NM_004706.4 (MANE Select); coding-DNA position 2573, G replaced by T.
Protein change: p.Gly858Val; replaces glycine 858 with valine.
Molecular consequence: missense variant. On other transcripts: non-coding transcript variant (2), intron variant (4).
Genome position (GRCh38, 1-based): chr19:41,906,538, G>T. VCF-style: chr19-41906538-G-T. GRCh37 (hg19) VCF-style: chr19-42410690-G-T.
Other names: c.2741G>T, p.Gly914Val (NM_001396000.1); c.2474G>T, p.Gly825Val (NM_198977.2); c.2618G>T, p.Gly873Val (NM_199002.2); c.2492-165G>T (NM_001396003.1, NM_001396006.1); c.2393-165G>T (NM_001396002.1, NM_001396004.1); short protein forms G825V, G858V, G914V, G873V.
Identifiers: ClinVar variation 2388082 (VCV002388082.5), dbSNP rs782815869, ClinGen allele CA9466785.